The following is an entry in ClinVar:

ClinVar aggregate classification (germline): Likely benign (1 of 4 stars; one submission).

Allele frequency attached by ClinVar (database versions not stated): gnomAD exomes 0.00021; ExAC 0.00060; 1000 Genomes Project 0.00100; ESP Exome Variant Server 0.00102; 1000 Genomes Project 30x 0.00125; gnomAD 0.00139; TOPMed 0.00174.
gnomAD v4.1: 500 of 1,553,274 alleles (0.032%); highest among the groups gnomAD compares: African/African-American, 0.51%; 1 homozygote.

Submission:

CeGaT Center for Human Genetics Tuebingen
Classification: Likely benign. Last evaluated: 2022-09-01. Review status: criteria provided, single submitter. Criteria: CeGaT Center For Human Genetics Tuebingen Variant Classification Criteria Version 2. Collection method: clinical testing. Allele origin: germline. Affected: yes. Observed: 1 variant allele.
Comment: CELF3: BP4, BP7

NM_007185.7(CELF3):c.1026G>A (p.Ala342=)

Gene: CELF3 (CUGBP Elav-like family member 3; minus strand). Cytogenetic location: 1q21.3.
Variant type: single nucleotide variant.
Coding change: c.1026G>A on transcript NM_007185.7 (MANE Select); coding-DNA position 1026, G replaced by A.
Protein change: p.Ala342=; no amino-acid change (alanine 342 retained).
Molecular consequence: synonymous variant.
Genome position (GRCh38, 1-based): chr1:151,706,324, C>T on the plus strand (G>A on the coding strand, the complement: CELF3 is on the minus strand). VCF-style: chr1-151706324-C-T. GRCh37 (hg19) VCF-style: chr1-151678800-C-T.
Other names: c.885G>A, p.Ala295= (NM_001172648.4); c.876G>A, p.Ala292= (NM_001172649.4); c.1023G>A, p.Ala341= (NM_001291106.2, NM_001291107.2).
Identifiers: ClinVar variation 2639180 (VCV002639180.24), dbSNP rs140590829, ClinGen allele CA1093869.